The following is an entry in ClinVar:

NM_016169.4(SUFU):c.773G>A (p.Gly258Asp)

Gene: SUFU (SUFU negative regulator of hedgehog signaling; plus strand). Cytogenetic location: 10q24.32.
Variant type: single nucleotide variant.
Coding change: c.773G>A on transcript NM_016169.4 (MANE Select); coding-DNA position 773, G replaced by A.
Protein change: p.Gly258Asp; replaces glycine 258 with aspartic acid.
Molecular consequence: missense variant.
Genome position (GRCh38, 1-based): chr10:102,597,156, G>A. VCF-style: chr10-102597156-G-A. GRCh37 (hg19) VCF-style: chr10-104356913-G-A.
Other names: c.773G>A, p.Gly258Asp (NM_001178133.2); short protein forms G258D.
Identifiers: ClinVar variation 1760395 (VCV001760395.2), dbSNP rs775760512, ClinGen allele CA377910307.

ClinVar aggregate classification (germline): Uncertain significance (1 of 4 stars; one submission).

Conditions:
Hereditary cancer-predisposing syndrome. Also called: Neoplastic Syndromes, Hereditary; Tumor predisposition; Hereditary Cancer Syndrome; Hereditary neoplastic syndrome. Identifiers: Orphanet 140162, MedGen C0027672, MeSH D009386, MONDO:0015356.

Submission:

Ambry Genetics
Classification: Uncertain significance for Hereditary cancer-predisposing syndrome. Last evaluated: 2022-07-28. Review status: criteria provided, single submitter. Criteria: Ambry Variant Classification Scheme 2023. Collection method: clinical testing. Allele origin: germline.
Comment: The p.G258D variant (also known as c.773G>A), located in coding exon 7 of the SUFU gene, results from a G to A substitution at nucleotide position 773. The glycine at codon 258 is replaced by aspartic acid, an amino acid with similar properties. This amino acid position is conserved. In addition, this alteration is predicted to be deleterious by in silico analysis. Since supporting evidence is limited at this time, the clinical significance of this alteration remains unclear.